The following is an entry in ClinVar:

ClinVar aggregate classification (germline): Pathogenic (1 of 4 stars; one submission).

Conditions:
Glycogen storage disease, type V (GSD5). Also called: McArdle type glycogen storage disease; MCARDLE DISEASE; MUSCLE GLYCOGEN PHOSPHORYLASE DEFICIENCY; MYOPHOSPHORYLASE DEFICIENCY; PYGM DEFICIENCY. Identifiers: Orphanet 368, MedGen C0017924, MONDO:0009293, OMIM 232600.

Submission:

Labcorp Genetics (formerly Invitae), Labcorp
Classification: Pathogenic for Glycogen storage disease, type V. Last evaluated: 2022-04-28. Review status: criteria provided, single submitter. Criteria: Invitae Variant Classification Sherloc (09022015). Collection method: clinical testing. Allele origin: germline.
Comment: This variant is not present in population databases (gnomAD no frequency). For these reasons, this variant has been classified as Pathogenic. This variant has not been reported in the literature in individuals affected with PYGM-related conditions. This sequence change creates a premature translational stop signal (p.Ala155Argfs*9) in the PYGM gene. It is expected to result in an absent or disrupted protein product. Loss-of-function variants in PYGM are known to be pathogenic (PMID: 8316268, 16786513).

Literature cited by the submitters: PubMed 8316268; PubMed 16786513.

NM_005609.4(PYGM):c.462dup (p.Ala155fs)

Gene: PYGM (glycogen phosphorylase, muscle associated; minus strand). Cytogenetic location: 11q13.1.
Variant type: Duplication.
Coding change: c.462dup on transcript NM_005609.4 (MANE Select); coding-DNA position 462, one base duplicated (C; older notation c.462dupC).
Protein change: p.Ala155fs; shifts the reading frame from alanine 155.
Molecular consequence: frameshift variant. On other transcripts: intron variant (1).
Genome position (GRCh38, 1-based): chr11:64,758,312, G duplicated on the plus strand (C on the coding strand, the reverse complement: PYGM is on the minus strand); the first of 2 consecutive G bases (chr11:64,758,312-64,758,313); duplicating either gives the same sequence. VCF-style (leftmost placement, unchanged base first): chr11-64758311-C-CG. GRCh37 (hg19) VCF-style: chr11-64525783-C-CG.
Other names: c.244-46dup (NM_001164716.1); short protein forms A155fs.
Identifiers: ClinVar variation 2131083 (VCV002131083.4), dbSNP rs2496670286, ClinGen allele CA2580084723.